The following is an entry in ClinVar:

ClinVar aggregate classification (germline): Conflicting classifications of pathogenicity. Review status: criteria provided, conflicting classifications (1 of 4 stars). 2 submissions from 2 submitters: Uncertain significance (1); Likely benign (1). Last evaluated 2025-01-18.

Conditions:
Hereditary cancer-predisposing syndrome. Also called: Tumor predisposition; Hereditary Cancer Syndrome; Neoplastic Syndromes, Hereditary; Hereditary neoplastic syndrome. Identifiers: Orphanet 140162, MedGen C0027672, MeSH D009386, MONDO:0015356.

Allele frequency attached by ClinVar (database versions not stated): gnomAD 0.00001; ExAC 0.00002.
gnomAD v4.1: 1 of 1,612,008 alleles (0.000062%); highest among the groups gnomAD compares: East Asian, 0.0022%; no homozygotes.

Submissions (2):

Ambry Genetics
Classification: Likely benign for Hereditary cancer-predisposing syndrome. Last evaluated: 2025-01-18. Review status: criteria provided, single submitter. Criteria: Ambry Variant Classification Scheme 2023. Collection method: clinical testing. Allele origin: germline.

Labcorp Genetics (formerly Invitae), Labcorp
Classification: Uncertain significance. Last evaluated: 2023-09-03. Review status: criteria provided, single submitter. Criteria: Invitae Variant Classification Sherloc (09022015). Collection method: clinical testing. Allele origin: germline.
Comment: This variant has not been reported in the literature in individuals affected with CTNNA1-related conditions. This sequence change replaces glutamine, which is neutral and polar, with arginine, which is basic and polar, at codon 100 of the CTNNA1 protein (p.Gln100Arg). This variant is present in population databases (rs770599506, gnomAD 0.006%). ClinVar contains an entry for this variant (Variation ID: 2054817). An algorithm developed to predict the effect of missense changes on protein structure and function (PolyPhen-2) suggests that this variant is likely to be tolerated. In summary, the available evidence is currently insufficient to determine the role of this variant in disease. Therefore, it has been classified as a Variant of Uncertain Significance.

NM_001903.5(CTNNA1):c.299A>G (p.Gln100Arg)

Gene: CTNNA1 (catenin alpha 1; plus strand). Cytogenetic location: 5q31.2.
Variant type: single nucleotide variant.
Coding change: c.299A>G on transcript NM_001903.5 (MANE Select); coding-DNA position 299, A replaced by G.
Protein change: p.Gln100Arg; replaces glutamine 100 with arginine.
Molecular consequence: missense variant. On other transcripts: intron variant (2).
Genome position (GRCh38, 1-based): chr5:138,783,370, A>G. VCF-style: chr5-138783370-A-G. GRCh37 (hg19) VCF-style: chr5-138119059-A-G.
Other names: c.299A>G, p.Gln100Arg (NM_001323984.2, NM_001323985.2, NM_001290307.3 and 3 more transcripts); c.299A>G (NM_001903.2); c.-6+98A>G (NM_001290310.3); c.-9+1341A>G (NM_001290309.3); short protein forms Q100R.
Identifiers: ClinVar variation 2054817 (VCV002054817.5), dbSNP rs770599506, ClinGen allele CA3431397.